The following is an entry in ClinVar:

ClinVar aggregate classification (germline): Pathogenic/Likely pathogenic. Review status: criteria provided, multiple submitters, no conflicts (2 of 4 stars). 2 submissions from 2 submitters: Pathogenic (1); Likely pathogenic (1). Last evaluated 2024-12-06.

Conditions:
Glutaric aciduria, type 1. Also called: GA I; Glutaric acidemia type I; Glutaryl-CoA dehydrogenase deficiency; Glutaricacidemia Type 1; Glutaricaciduria, type I; Glutaric Acidemia Type 1. Identifiers: Orphanet 25, MedGen C0268595, MONDO:0009281, OMIM 231670.

Submissions (2):

3billion
Classification: Likely pathogenic for Glutaric aciduria, type 1. Last evaluated: 2024-12-06. Review status: criteria provided, single submitter. Criteria: ACMG Guidelines, 2015. Collection method: clinical testing. Allele origin: germline. Affected: yes.
Comment: The variant is not observed in the gnomAD v4.1.0 dataset. Predicted Consequence/Location: Missense variant In silico tool predictions suggest damaging effect of the variant on gene or gene product [REVEL: 0.90 (>=0.6, sensitivity 0.68 and specificity 0.92); 3Cnet: 0.99 (>=0.6, sensitivity 0.72 and precision 0.9)]. The same nucleotide change resulting in the same amino acid change has been previously reported to be associated with GCDH-related disorder (ClinVar ID: VCV000860645 /PMID: 10699052).Different missense changes at the same codon (p.Trp50Arg, p.Trp50Gly) have been reported as pathogenic/likely pathogenic with strong evidence (ClinVar ID: VCV001199104, VCV002577232 /PMID: 21811973, 28389991, 29665094). Therefore, this variant is classified as Likely pathogenic according to the recommendation of ACMG/AMP guideline.

Labcorp Genetics (formerly Invitae), Labcorp
Classification: Pathogenic for Glutaric aciduria, type 1. Last evaluated: 2024-02-24. Review status: criteria provided, single submitter. Criteria: Invitae Variant Classification Sherloc (09022015). Collection method: clinical testing. Allele origin: germline.
Comment: This sequence change replaces tryptophan, which is neutral and slightly polar, with cysteine, which is neutral and slightly polar, at codon 50 of the GCDH protein (p.Trp50Cys). This variant is not present in population databases (gnomAD no frequency). This missense change has been observed in individual(s) with glutaric acidemia type 1 (PMID: 28062662; Invitae). ClinVar contains an entry for this variant (Variation ID: 860645). Advanced modeling of protein sequence and biophysical properties (such as structural, functional, and spatial information, amino acid conservation, physicochemical variation, residue mobility, and thermodynamic stability) performed at Invitae indicates that this missense variant is expected to disrupt GCDH protein function with a positive predictive value of 95%. Experimental studies have shown that this missense change affects GCDH function (PMID: 28062662). This variant disrupts the p.Trp50 amino acid residue in GCDH. Other variant(s) that disrupt this residue have been observed in individuals with GCDH-related conditions (PMID: 21811973, 29665094), which suggests that this may be a clinically significant amino acid residue. For these reasons, this variant has been classified as Pathogenic.

Literature cited by the submitters: PubMed 10699052 (cited by 3billion); PubMed 21811973 (cited by 3billion and Labcorp Genetics (formerly Invitae), Labcorp); PubMed 28062662 (cited by Labcorp Genetics (formerly Invitae), Labcorp); PubMed 29665094 (cited by Labcorp Genetics (formerly Invitae), Labcorp).

NM_000159.4(GCDH):c.150G>C (p.Trp50Cys)

Genes: GCDH (glutaryl-CoA dehydrogenase; plus strand), LOC117125594 (CRISPRi-FlowFISH-validated KLF1 regulatory element; plus strand). Cytogenetic location: 19p13.13.
Variant type: single nucleotide variant.
Coding change: c.150G>C on transcript NM_000159.4 (MANE Select); coding-DNA position 150, G replaced by C.
Protein change: p.Trp50Cys; replaces tryptophan 50 with cysteine.
Molecular consequence: missense variant. On other transcripts: non-coding transcript variant (2).
Genome position (GRCh38, 1-based): chr19:12,891,853, G>C. VCF-style: chr19-12891853-G-C. GRCh37 (hg19) VCF-style: chr19-13002667-G-C.
Other names: c.150G>C, p.Trp50Cys (NM_013976.5); short protein forms W50C.
Identifiers: ClinVar variation 860645 (VCV000860645.8), dbSNP rs1970564149, ClinGen allele CA404314835.